The following is an entry in ClinVar:

ClinVar aggregate classification (germline): Likely benign (1 of 4 stars; one submission).

Submission:

CeGaT Center for Human Genetics Tuebingen
Classification: Likely benign. Last evaluated: 2022-09-01. Review status: criteria provided, single submitter. Criteria: CeGaT Center For Human Genetics Tuebingen Variant Classification Criteria Version 2. Collection method: clinical testing. Allele origin: germline. Affected: yes. Observed: 1 variant allele.
Comment: ABCA7: PM2:Supporting, BP4, BP7

NM_019112.4(ABCA7):c.4680G>A (p.Glu1560=)

Gene: ABCA7 (ATP binding cassette subfamily A member 7; plus strand). Cytogenetic location: 19p13.3.
Variant type: single nucleotide variant.
Coding change: c.4680G>A on transcript NM_019112.4 (MANE Select); coding-DNA position 4680, G replaced by A.
Protein change: p.Glu1560=; no amino-acid change (glutamic acid 1560 retained).
Molecular consequence: synonymous variant.
Genome position (GRCh38, 1-based): chr19:1,057,000, G>A. VCF-style: chr19-1057000-G-A. GRCh37 (hg19) VCF-style: chr19-1056999-G-A.
Identifiers: ClinVar variation 2648896 (VCV002648896.24), dbSNP rs2512445183, ClinGen allele CA504698039.
Genomic context (GRCh38, chr19:1,057,000, plus strand): 5'-CTGTGTGGTCTTTGCCATGTCCTTTGTCCCGGCCAGCTTCACTCTTGTCCTCATTGAGGA[G>A]CGAGTCACCCGAGCCAAGCACCTGCAGCTCATGGGGGGCCTGTCCCCCACCCTCTACTGG-3'
Protein context (NP_061985.2, residues 1550-1570): PASFTLVLIE[Glu1560=]RVTRAKHLQL